The following is an entry in ClinVar:

ClinVar aggregate classification (germline): Uncertain significance (1 of 4 stars; one submission).

Conditions:
Hereditary cancer-predisposing syndrome. Also called: Neoplastic Syndromes, Hereditary; Tumor predisposition; Hereditary neoplastic syndrome; Hereditary Cancer Syndrome. Identifiers: Orphanet 140162, MedGen C0027672, MeSH D009386, MONDO:0015356.

Submission:

Ambry Genetics
Classification: Uncertain significance for Hereditary cancer-predisposing syndrome. Last evaluated: 2023-09-28. Review status: criteria provided, single submitter. Criteria: Ambry Variant Classification Scheme 2023. Collection method: clinical testing. Allele origin: germline.
Comment: The p.I182S variant (also known as c.545T>G), located in coding exon 4 of the PALB2 gene, results from a T to G substitution at nucleotide position 545. The isoleucine at codon 182 is replaced by serine, an amino acid with dissimilar properties. This amino acid position is conserved. In addition, this alteration is predicted to be tolerated by in silico analysis. Since supporting evidence is limited at this time, the clinical significance of this alteration remains unclear.

NM_024675.4(PALB2):c.545T>G (p.Ile182Ser)

Gene: PALB2 (partner and localizer of BRCA2; minus strand). Cytogenetic location: 16p12.2.
Variant type: single nucleotide variant.
Coding change: c.545T>G on transcript NM_024675.4 (MANE Select); coding-DNA position 545, T replaced by G.
Protein change: p.Ile182Ser; replaces isoleucine 182 with serine.
Molecular consequence: missense variant. On other transcripts: 5 prime UTR variant (8), intron variant (3).
Genome position (GRCh38, 1-based): chr16:23,636,001, A>C on the plus strand (T>G on the coding strand, the complement: PALB2 is on the minus strand). VCF-style: chr16-23636001-A-C. GRCh37 (hg19) VCF-style: chr16-23647322-A-C.
Other names: c.485T>G, p.Ile162Ser (NM_001407296.1); c.545T>G, p.Ile182Ser (NM_001407297.1, NM_001407298.1, NM_001407299.1 and 3 more transcripts); c.-341T>G (NM_001407304.1, NM_001407305.1, NM_001407306.1 and 5 more transcripts); c.48+5109T>G (NM_001407314.1); c.-105+5109T>G (NM_001407313.1, NM_001407312.1); short protein forms I162S, I182S.
Identifiers: ClinVar variation 3228038 (VCV003228038.1), dbSNP rs1967039388, ClinGen allele CA395136882.